The following is an entry in ClinVar:

NM_002474.3(MYH11):c.4366-131T>C

Genes: MYH11 (myosin heavy chain 11; minus strand), NDE1 (nudE neurodevelopment protein 1; plus strand). Cytogenetic location: 16p13.11.
Variant type: single nucleotide variant.
Coding change: c.4366-131T>C on transcript NM_002474.3 (MANE Select); 131 bases into the intron before coding-DNA position 4366, T replaced by C.
Molecular consequence: intron variant.
Genome position (GRCh38, 1-based): chr16:15,721,765, A>G on the plus strand (T>C on the coding strand, the complement: MYH11 is on the minus strand). VCF-style: chr16-15721765-A-G. GRCh37 (hg19) VCF-style: chr16-15815622-A-G.
Other names: c.948-2426A>G (NM_001143979.2, NM_017668.3); c.4366-131T>C (NM_022844.3); c.4387-131T>C (NM_001040114.2, NM_001040113.2).
Identifiers: ClinVar variation 676574 (VCV000676574.2), dbSNP rs113153833, ClinGen allele CA278603047.
Genomic context (GRCh38, chr16:15,721,765, plus strand): 5'-GGGAAGCCCTGTGTCCTGCTGAATGTATTGAGGTGCAGGTGTAAGCAGTGTAGGTTAGCT[A>G]TGGGAGTAATTTATATAATCATCTGGCGTTCTGACTTCTACATCAACCTTATGCAGAGCC-3'

ClinVar aggregate classification (germline): Likely benign. Review status: criteria provided, multiple submitters, no conflicts (2 of 4 stars). 2 submissions from 2 submitters: Likely benign (2). Last evaluated 2018-06-14.

Allele frequency attached by ClinVar (database versions not stated): gnomAD 0.01041 and 0.01111; 1000 Genomes Project 0.01198; 1000 Genomes Project 30x 0.01218; TOPMed 0.01255.
gnomAD v4.1: 2,544 of 887,152 alleles (0.29%); highest among the groups gnomAD compares: African/African-American, 3.6%; 52 homozygotes.

Submissions (2):

GeneDx
Classification: Likely benign. Last evaluated: 2018-06-14. Review status: criteria provided, single submitter. Criteria: GeneDx Variant Classification (06012015). Collection method: clinical testing. Allele origin: germline. Affected: yes.
Comment: This variant is considered likely benign or benign based on one or more of the following criteria: it is a conservative change, it occurs at a poorly conserved position in the protein, it is predicted to be benign by multiple in silico algorithms, and/or has population frequency not consistent with disease.

Breakthrough Genomics
Classification: Likely benign. Review status: criteria provided, single submitter. Criteria: ACMG Guidelines, 2015. Collection method: not provided. Allele origin: germline. Inheritance: Autosomal recessive inheritance. Affected: yes.